The following is an entry in ClinVar:

ClinVar aggregate classification (germline): Uncertain significance (1 of 4 stars; one submission).

Allele frequency attached by ClinVar (database versions not stated): gnomAD 0.00001; TOPMed 0.00001; ExAC 0.00002.
gnomAD v4.1: 15 of 1,613,460 alleles (0.00093%); highest among the groups gnomAD compares: Non-Finnish European, 0.0013%; no homozygotes.

Submission:

Labcorp Genetics (formerly Invitae), Labcorp
Classification: Uncertain significance. Last evaluated: 2022-10-24. Review status: criteria provided, single submitter. Criteria: Invitae Variant Classification Sherloc (09022015). Collection method: clinical testing. Allele origin: germline.
Comment: In summary, the available evidence is currently insufficient to determine the role of this variant in disease. Therefore, it has been classified as a Variant of Uncertain Significance. This sequence change replaces aspartic acid, which is acidic and polar, with glycine, which is neutral and non-polar, at codon 765 of the VPS13D protein (p.Asp765Gly). This variant is present in population databases (rs777895667, gnomAD 0.004%). This variant has not been reported in the literature in individuals affected with VPS13D-related conditions. Advanced modeling of protein sequence and biophysical properties (such as structural, functional, and spatial information, amino acid conservation, physicochemical variation, residue mobility, and thermodynamic stability) performed at Invitae indicates that this missense variant is expected to disrupt VPS13D protein function.

NM_015378.4(VPS13D):c.2294A>G (p.Asp765Gly)

Gene: VPS13D (vacuolar protein sorting 13 homolog D; plus strand). Cytogenetic location: 1p36.22.
Variant type: single nucleotide variant.
Coding change: c.2294A>G on transcript NM_015378.4 (MANE Select); coding-DNA position 2294, A replaced by G.
Protein change: p.Asp765Gly; replaces aspartic acid 765 with glycine.
Molecular consequence: missense variant.
Genome position (GRCh38, 1-based): chr1:12,275,882, A>G. VCF-style: chr1-12275882-A-G. GRCh37 (hg19) VCF-style: chr1-12335939-A-G.
Other names: c.2294A>G, p.Asp765Gly (NM_018156.4); short protein forms D765G.
Identifiers: ClinVar variation 1940045 (VCV001940045.5), dbSNP rs777895667, ClinGen allele CA601800.